The following is an entry in ClinVar:

ClinVar aggregate classification (germline): Uncertain significance. Review status: criteria provided, multiple submitters, no conflicts (2 of 4 stars). 2 submissions from 2 submitters: Uncertain significance (2). Last evaluated 2026-03-23.

Conditions:
Inborn genetic diseases. Identifiers: MedGen C0950123, MeSH D030342.

Allele frequency attached by ClinVar (database versions not stated): TOPMed below 0.00001; gnomAD 0.00001.
gnomAD v4.1: 3 of 1,612,974 alleles (0.00019%); highest among the groups gnomAD compares: Non-Finnish European, 0.00017%; no homozygotes.

Submissions (2):

Ambry Genetics
Classification: Uncertain significance for Inborn genetic diseases. Last evaluated: 2026-03-23. Review status: criteria provided, single submitter. Criteria: Ambry Variant Classification Scheme 2023. Collection method: clinical testing. Allele origin: germline.
Comment: The c.2483T>C (p.L828P) alteration is located in exon 6 (coding exon 1) of the AHDC1 gene. This alteration results from a T to C substitution at nucleotide position 2483, causing the leucine (L) at amino acid position 828 to be replaced by a proline (P). Based on data from gnomAD, the C allele has an overall frequency of 0.003% (1/31374) total alleles studied. The highest observed frequency was 0.007% (1/15412) of European (non-Finnish) alleles. Based on insufficient or conflicting evidence, the clinical significance of this alteration remains unclear.

GeneDx
Classification: Uncertain significance. Last evaluated: 2023-04-06. Review status: criteria provided, single submitter. Criteria: GeneDx Variant Classification Process June 2021. Collection method: clinical testing. Allele origin: germline. Affected: yes.
Comment: In silico analysis supports that this missense variant does not alter protein structure/function; Has not been previously published as pathogenic or benign to our knowledge

NM_001371928.1(AHDC1):c.2483T>C (p.Leu828Pro)

Gene: AHDC1 (AT-hook DNA binding motif containing 1; minus strand). Cytogenetic location: 1p36.11.
Variant type: single nucleotide variant.
Coding change: c.2483T>C on transcript NM_001371928.1 (MANE Select); coding-DNA position 2483, T replaced by C.
Protein change: p.Leu828Pro; replaces leucine 828 with proline.
Molecular consequence: missense variant.
Genome position (GRCh38, 1-based): chr1:27,549,633, A>G on the plus strand (T>C on the coding strand, the complement: AHDC1 is on the minus strand). VCF-style: chr1-27549633-A-G. GRCh37 (hg19) VCF-style: chr1-27876144-A-G.
Other names: c.2483T>C, p.Leu828Pro (NM_001029882.3); short protein forms L828P.
Identifiers: ClinVar variation 2661984 (VCV002661984.2), dbSNP rs1256561628, ClinGen allele CA339230434.